The following is an entry in ClinVar:

NM_001365088.1(SLC12A6):c.3146G>A (p.Trp1049Ter)

Gene: SLC12A6 (solute carrier family 12 member 6; minus strand). Cytogenetic location: 15q14.
Variant type: single nucleotide variant.
Coding change: c.3146G>A on transcript NM_001365088.1 (MANE Select); coding-DNA position 3146, G replaced by A.
Protein change: p.Trp1049Ter; replaces tryptophan 1049 with a stop codon.
Molecular consequence: nonsense.
Genome position (GRCh38, 1-based): chr15:34,236,096, C>T on the plus strand (G>A on the coding strand, the complement: SLC12A6 is on the minus strand). VCF-style: chr15-34236096-C-T. GRCh37 (hg19) VCF-style: chr15-34528297-C-T.
Other names: c.2969G>A, p.Trp990Ter (NM_001042494.2, NM_001042495.2); c.3119G>A, p.Trp1040Ter (NM_001042496.2); c.3101G>A, p.Trp1034Ter (NM_001042497.2); c.2993G>A, p.Trp998Ter (NM_005135.2); c.3146G>A, p.Trp1049Ter (NM_133647.2); short protein forms W1040*, W998*, W1049*, W990*, W1034*.
Identifiers: ClinVar variation 2102681 (VCV002102681.4), dbSNP rs1476605916, ClinGen allele CA391617608.

ClinVar aggregate classification (germline): Pathogenic (1 of 4 stars; one submission).

Allele frequency attached by ClinVar (database versions not stated): gnomAD exomes below 0.00001.

Submission:

Labcorp Genetics (formerly Invitae), Labcorp
Classification: Pathogenic. Last evaluated: 2022-04-19. Review status: criteria provided, single submitter. Criteria: Invitae Variant Classification Sherloc (09022015). Collection method: clinical testing. Allele origin: germline.
Comment: For these reasons, this variant has been classified as Pathogenic. This variant has not been reported in the literature in individuals affected with SLC12A6-related conditions. This variant is present in population databases (no rsID available, gnomAD 0.006%). This sequence change creates a premature translational stop signal (p.Trp1049*) in the SLC12A6 gene. It is expected to result in an absent or disrupted protein product. Loss-of-function variants in SLC12A6 are known to be pathogenic (PMID: 12368912, 16606917).

Literature cited by the submitters: PubMed 12368912; PubMed 16606917.